The following is an entry in ClinVar:

ClinVar aggregate classification (germline): Uncertain significance. Review status: criteria provided, multiple submitters, no conflicts (2 of 4 stars). 2 submissions from 2 submitters: Uncertain significance (2). Last evaluated 2024-10-06.

Conditions:
Hypogonadotropic hypogonadism 2 with or without anosmia (HH2). Also called: HYPOGONADOTROPIC HYPOGONADISM 2 WITH OR WITHOUT ANOSMIA, SUSCEPTIBILITY TO; HYPOGONADOTROPIC HYPOGONADISM 2 WITHOUT ANOSMIA, SUSCEPTIBILITY TO; FGFR1-Related GnRH Deficiency (Kallmann Syndrome 2); HYPOGONADOTROPIC HYPOGONADISM 2 WITHOUT ANOSMIA. Identifiers: Orphanet 478, MedGen C1563720, MONDO:0007844, OMIM 147950. Disease mechanism: loss of function.
Pfeiffer syndrome (ACS5). Also called: ACS V. Identifiers: Orphanet 710, MedGen C0220658, MONDO:0007043, OMIM 101600.

gnomAD v4.1: 2 of 1,614,178 alleles (0.00012%); highest among the groups gnomAD compares: Non-Finnish European, 0.00017%; no homozygotes.

Submissions (2):

Labcorp Genetics (formerly Invitae), Labcorp
Classification: Uncertain significance for Pfeiffer syndrome; Hypogonadotropic hypogonadism 2 with or without anosmia. Last evaluated: 2024-10-06. Review status: criteria provided, single submitter. Criteria: Invitae Variant Classification Sherloc (09022015). Collection method: clinical testing. Allele origin: germline.
Comment: This sequence change replaces arginine, which is basic and polar, with tryptophan, which is neutral and slightly polar, at codon 475 of the FGFR1 protein (p.Arg475Trp). This variant is not present in population databases (gnomAD no frequency). This variant has not been reported in the literature in individuals affected with FGFR1-related conditions. ClinVar contains an entry for this variant (Variation ID: 1194991). Invitae Evidence Modeling of protein sequence and biophysical properties (such as structural, functional, and spatial information, amino acid conservation, physicochemical variation, residue mobility, and thermodynamic stability) indicates that this missense variant is expected to disrupt FGFR1 protein function with a positive predictive value of 80%. In summary, the available evidence is currently insufficient to determine the role of this variant in disease. Therefore, it has been classified as a Variant of Uncertain Significance.

GeneDx
Classification: Uncertain significance. Last evaluated: 2020-07-20. Review status: criteria provided, single submitter. Criteria: GeneDx Variant Classification Process June 2021. Collection method: clinical testing. Allele origin: germline. Affected: yes.
Comment: Not observed in large population cohorts (Lek et al., 2016); In silico analysis, which includes protein predictors and evolutionary conservation, supports a deleterious effect; Has not been previously published as pathogenic or benign to our knowledge

NM_023110.3(FGFR1):c.1423C>T (p.Arg475Trp)

Gene: FGFR1 (fibroblast growth factor receptor 1; minus strand). Cytogenetic location: 8p11.23.
Variant type: single nucleotide variant.
Coding change: c.1423C>T on transcript NM_023110.3 (MANE Select); coding-DNA position 1423, C replaced by T.
Protein change: p.Arg475Trp; replaces arginine 475 with tryptophan.
Molecular consequence: missense variant.
Genome position (GRCh38, 1-based): chr8:38,418,235, G>A on the plus strand (C>T on the coding strand, the complement: FGFR1 is on the minus strand). VCF-style: chr8-38418235-G-A. GRCh37 (hg19) VCF-style: chr8-38275753-G-A.
Other names: c.1417C>T, p.Arg473Trp (NM_001174063.2, NM_001174065.2, NM_001354367.2 and 1 more transcripts); c.1393C>T, p.Arg465Trp (NM_001174064.2); c.1156C>T, p.Arg386Trp (NM_001174066.2, NM_023105.3); c.1516C>T, p.Arg506Trp (NM_001174067.2); c.1144C>T, p.Arg382Trp (NM_001354368.2); c.1411C>T, p.Arg471Trp (NM_001354369.2); c.1150C>T, p.Arg384Trp (NM_001354370.2, NM_023106.3); short protein forms R382W, R384W, R386W, R465W, R471W, R473W, R475W, R506W.
Identifiers: ClinVar variation 1194991 (VCV001194991.4), dbSNP rs2150669975, ClinGen allele CA370733185.